The following is an entry in ClinVar:

NM_000937.5(POLR2A):c.4633G>A (p.Gly1545Ser)

Gene: POLR2A (RNA polymerase II subunit A; plus strand). Cytogenetic location: 17p13.1.
Variant type: single nucleotide variant.
Coding change: c.4633G>A on transcript NM_000937.5 (MANE Select); coding-DNA position 4633, G replaced by A.
Protein change: p.Gly1545Ser; replaces glycine 1545 with serine.
Molecular consequence: missense variant.
Genome position (GRCh38, 1-based): chr17:7,512,800, G>A. VCF-style: chr17-7512800-G-A. GRCh37 (hg19) VCF-style: chr17-7416119-G-A.
Other names: short protein forms G1545S.
Identifiers: ClinVar variation 1691064 (VCV001691064.3), dbSNP rs2070721345, ClinGen allele CA397830432.

ClinVar aggregate classification (germline): Uncertain significance. Review status: criteria provided, multiple submitters, no conflicts (2 of 4 stars). 2 submissions from 2 submitters: Uncertain significance (2). Last evaluated 2024-12-26.

Allele frequency attached by ClinVar (database versions not stated): gnomAD 0.00001; gnomAD exomes 0.00001.

Submissions (2):

Women's Health and Genetics/Laboratory Corporation of America, LabCorp
Classification: Uncertain significance. Last evaluated: 2024-12-26. Review status: criteria provided, single submitter. Criteria: LabCorp Variant Classification Summary - May 2015. Collection method: clinical testing. Allele origin: germline.
Comment: Variant summary: POLR2A c.4633G>A (p.Gly1545Ser) results in a non-conservative amino acid change in the encoded protein sequence. Three of five in-silico tools predict a benign effect of the variant on protein function. The variant was absent in 213274 control chromosomes. The available data on variant occurrences in the general population are insufficient to allow any conclusion about variant significance. To our knowledge, no occurrence of c.4633G>A in individuals affected with Neurodevelopmental Disorder With Hypotonia And Variable Intellectual And Behavioral Abnormalities and no experimental evidence demonstrating its impact on protein function have been reported. ClinVar contains an entry for this variant (Variation ID: 1691064). Based on the evidence outlined above, the variant was classified as uncertain significance.

Laboratorio de Genetica e Diagnostico Molecular, Hospital Israelita Albert Einstein
Classification: Uncertain significance. Last evaluated: 2022-04-09. Review status: criteria provided, single submitter. Criteria: ACMG Guidelines, 2015. Collection method: clinical testing. Allele origin: germline. Affected: yes.
Comment: ACMG classification criteria: PM2, PP2, BP4